The following is an entry in ClinVar:

ClinVar aggregate classification (germline): Uncertain significance (1 of 4 stars; one submission).

Conditions:
Inborn genetic diseases. Identifiers: MedGen C0950123, MeSH D030342.

Submission:

Ambry Genetics
Classification: Uncertain significance for Inborn genetic diseases. Last evaluated: 2024-03-11. Review status: criteria provided, single submitter. Criteria: Ambry Variant Classification Scheme 2023. Collection method: clinical testing. Allele origin: germline.
Comment: The c.962G>T (p.C321F) alteration is located in exon 3 (coding exon 1) of the TTI1 gene. This alteration results from a G to T substitution at nucleotide position 962, causing the cysteine (C) at amino acid position 321 to be replaced by a phenylalanine (F). This variant was not reported in population-based cohorts in the Genome Aggregation Database (gnomAD). This amino acid position is highly conserved in available vertebrate species. This alteration is predicted to be deleterious by in silico analysis. Based on insufficient or conflicting evidence, the clinical significance of this alteration remains unclear.

NM_001303457.2(TTI1):c.962G>T (p.Cys321Phe)

Gene: TTI1 (TELO2 interacting protein 1; minus strand). Cytogenetic location: 20q11.23.
Variant type: single nucleotide variant.
Coding change: c.962G>T on transcript NM_001303457.2 (MANE Select); coding-DNA position 962, G replaced by T.
Protein change: p.Cys321Phe; replaces cysteine 321 with phenylalanine.
Molecular consequence: missense variant.
Genome position (GRCh38, 1-based): chr20:38,012,855, C>A on the plus strand (G>T on the coding strand, the complement: TTI1 is on the minus strand). VCF-style: chr20-38012855-C-A. GRCh37 (hg19) VCF-style: chr20-36641257-C-A.
Other names: c.962G>T, p.Cys321Phe (NM_014657.3); short protein forms C321F.
Identifiers: ClinVar variation 3184484 (VCV003184484.1), dbSNP rs1276809866, ClinGen allele CA408869667.